The following is an entry in ClinVar:

NM_001379500.1(COL18A1):c.268C>T (p.Arg90Cys)

Gene: COL18A1 (collagen type XVIII alpha 1 chain; plus strand). Cytogenetic location: 21q22.3.
Variant type: single nucleotide variant.
Coding change: c.268C>T on transcript NM_001379500.1 (MANE Select); coding-DNA position 268, C replaced by T.
Protein change: p.Arg90Cys; replaces arginine 90 with cysteine.
Molecular consequence: missense variant.
Genome position (GRCh38, 1-based): chr21:45,468,403, C>T. VCF-style: chr21-45468403-C-T. GRCh37 (hg19) VCF-style: chr21-46888317-C-T.
Other names: c.808C>T, p.Arg270Cys (NM_030582.4); c.1513C>T, p.Arg505Cys (NM_130444.3); short protein forms R270C, R90C, R505C.
Identifiers: ClinVar variation 2148259 (VCV002148259.3), dbSNP rs778941505, ClinGen allele CA10065709.
Genomic context (GRCh38, chr21:45,468,403, plus strand): 5'-TTTGGGCCAGATGCCAACAGTGGCCAAGTGGCCCGGTACCACTTCCCCAGCCTCTTCTTC[C>T]GTGACTTCTCACTGCTGTTCCACATCCGGCCAGCCACAGAGGGCCCAGGGGTGCTGTTCG-3'
Protein context (NP_001366429.1, residues 80-100): ARYHFPSLFF[Arg90Cys]DFSLLFHIRP

ClinVar aggregate classification (germline): Uncertain significance. Review status: criteria provided, multiple submitters, no conflicts (2 of 4 stars). 2 submissions from 2 submitters: Uncertain significance (2). Last evaluated 2024-09-06.

Allele frequency attached by ClinVar (database versions not stated): TOPMed below 0.00001; gnomAD 0.00001; gnomAD exomes 0.00002; ExAC 0.00003.
gnomAD v4.1: 35 of 1,613,902 alleles (0.0022%); highest among the groups gnomAD compares: South Asian, 0.0033%; no homozygotes.

Submissions (2):

Labcorp Genetics (formerly Invitae), Labcorp
Classification: Uncertain significance. Last evaluated: 2024-09-06. Review status: criteria provided, single submitter. Criteria: Invitae Variant Classification Sherloc (09022015). Collection method: clinical testing. Allele origin: germline.
Comment: This sequence change replaces arginine, which is basic and polar, with cysteine, which is neutral and slightly polar, at codon 90 of the COL18A1 protein (p.Arg90Cys). This variant is present in population databases (rs778941505, gnomAD 0.01%). This variant has not been reported in the literature in individuals affected with COL18A1-related conditions. ClinVar contains an entry for this variant (Variation ID: 2148259). Experimental studies and prediction algorithms are not available or were not evaluated, and the functional significance of this variant is currently unknown. In summary, the available evidence is currently insufficient to determine the role of this variant in disease. Therefore, it has been classified as a Variant of Uncertain Significance.

Blueprint Genetics
Classification: Uncertain significance. Last evaluated: 2023-06-08. Review status: criteria provided, single submitter. Criteria: ACMG Guidelines, 2015. Collection method: clinical testing. Allele origin: germline.